The following is an entry in ClinVar:

ClinVar aggregate classification (germline): Uncertain significance (1 of 4 stars; one submission).

Allele frequency attached by ClinVar (database versions not stated): gnomAD exomes below 0.00001.
gnomAD v4.1: 3 of 1,598,750 alleles (0.00019%); highest among the groups gnomAD compares: South Asian, 0.0034%; no homozygotes.

Submission:

GeneDx
Classification: Uncertain significance. Last evaluated: 2023-01-31. Review status: criteria provided, single submitter. Criteria: GeneDx Variant Classification Process June 2021. Collection method: clinical testing. Allele origin: germline. Affected: yes.
Comment: Not observed at significant frequency in large population cohorts (gnomAD); In silico analysis supports that this missense variant has a deleterious effect on protein structure/function; Has not been previously published as pathogenic or benign to our knowledge; In silico analysis suggests this variant may impact gene splicing. In the absence of RNA/functional studies, the actual effect of this sequence change is unknown.

NM_001077350.3(NPRL3):c.1300G>T (p.Val434Phe)

Genes: HBA-LCR (alpha-globin locus control region; plus strand), NPRL3 (NPR3 like, GATOR1 complex subunit; minus strand). Cytogenetic location: 16p13.3.
Variant type: single nucleotide variant.
Coding change: c.1300G>T on transcript NM_001077350.3 (MANE Select); coding-DNA position 1300, G replaced by T.
Protein change: p.Val434Phe; replaces valine 434 with phenylalanine.
Molecular consequence: missense variant.
Genome position (GRCh38, 1-based): chr16:89,764, C>A on the plus strand (G>T on the coding strand, the complement: NPRL3 is on the minus strand). VCF-style: chr16-89764-C-A. GRCh37 (hg19) VCF-style: chr16-139762-C-A.
Other names: c.763G>T, p.Val255Phe (NM_001039476.3); c.1066G>T, p.Val356Phe (NM_001243247.2); c.1225G>T, p.Val409Phe (NM_001243248.2, NM_001243249.2); short protein forms V255F, V356F, V409F, V434F.
Identifiers: ClinVar variation 2574189 (VCV002574189.1), dbSNP rs2542803868, ClinGen allele CA394050939.